The following is an entry in ClinVar:

ClinVar aggregate classification (germline): Uncertain significance (1 of 4 stars; one submission).

Conditions:
DYRK1A-related intellectual disability syndrome (MRD7). Also called: Intellectual developmental disorder, autosomal dominant 7; DYRK1A Syndrome. Identifiers: Orphanet 464306, MedGen C5568143, MONDO:0013578, OMIM 614104.

Submission:

Labcorp Genetics (formerly Invitae), Labcorp
Classification: Uncertain significance for DYRK1A-related intellectual disability syndrome. Last evaluated: 2023-12-11. Review status: criteria provided, single submitter. Criteria: Invitae Variant Classification Sherloc (09022015). Collection method: clinical testing. Allele origin: germline.
Comment: This sequence change replaces alanine, which is neutral and non-polar, with aspartic acid, which is acidic and polar, at codon 439 of the DYRK1A protein (p.Ala439Asp). This variant is not present in population databases (gnomAD no frequency). This variant has not been reported in the literature in individuals affected with DYRK1A-related conditions. Advanced modeling of protein sequence and biophysical properties (such as structural, functional, and spatial information, amino acid conservation, physicochemical variation, residue mobility, and thermodynamic stability) performed at Invitae indicates that this missense variant is not expected to disrupt DYRK1A protein function with a negative predictive value of 95%. In summary, the available evidence is currently insufficient to determine the role of this variant in disease. Therefore, it has been classified as a Variant of Uncertain Significance.

NM_001347721.2(DYRK1A):c.1289C>A (p.Ala430Asp)

Gene: DYRK1A (dual specificity tyrosine phosphorylation regulated kinase 1A; plus strand). Cytogenetic location: 21q22.13.
Variant type: single nucleotide variant.
Coding change: c.1289C>A on transcript NM_001347721.2 (MANE Select); coding-DNA position 1289, C replaced by A.
Protein change: p.Ala430Asp; replaces alanine 430 with aspartic acid.
Molecular consequence: missense variant.
Genome position (GRCh38, 1-based): chr21:37,505,359, C>A. VCF-style: chr21-37505359-C-A. GRCh37 (hg19) VCF-style: chr21-38877662-C-A.
Other names: c.1289C>A, p.Ala430Asp (NM_001347722.2, NM_130436.2); c.1202C>A, p.Ala401Asp (NM_001347723.2); c.1316C>A, p.Ala439Asp (NM_001396.5, NM_101395.2, NM_130438.2); short protein forms A401D, A430D, A439D.
Identifiers: ClinVar variation 2719587 (VCV002719587.3), dbSNP rs2053563974, ClinGen allele CA409938158.
Genomic context (GRCh38, chr21:37,505,359, plus strand): 5'-GAACCCGTAAACTTCATAACATTCTTGGAGTGGAAACAGGAGGACCTGGTGGGCGACGTG[C>A]TGGGGAGTCAGGTCATACGGTCGCTGACTACTTGAAGTTCAAAGACCTCATTTTAAGGAT-3'
Protein context (NP_001334650.1, residues 420-440): VETGGPGGRR[Ala430Asp]GESGHTVADY